The following is an entry in ClinVar:

ClinVar aggregate classification (germline): Benign. Review status: criteria provided, single submitter (1 of 4 stars). 2 submissions from 2 submitters: Benign (1). 1 of the submissions does not count toward it. Last evaluated 2017-09-26.

Conditions:
CLMP-related disorder. Also called: CLMP-related condition.

Allele frequency attached by ClinVar (database versions not stated): gnomAD 0.00014 and 0.00019; TOPMed 0.00025; gnomAD exomes 0.00052; ExAC 0.00053; 1000 Genomes Project 30x 0.00062; 1000 Genomes Project 0.00080.
gnomAD v4.1: 231 of 1,613,304 alleles (0.014%); highest among the groups gnomAD compares: East Asian, 0.49%; no homozygotes.

Submissions (2):

Labcorp Genetics (formerly Invitae), Labcorp
Classification: Benign. Last evaluated: 2017-09-26. Review status: criteria provided, single submitter. Criteria: Invitae Variant Classification Sherloc (09022015). Collection method: clinical testing. Allele origin: germline.

PreventionGenetics, part of Exact Sciences
Classification: Likely benign for CLMP-related condition. Last evaluated: 2019-04-12. Review status: no assertion criteria provided. Collection method: clinical testing. Allele origin: germline. Not counted in ClinVar's aggregate classification.
Comment: This variant is classified as likely benign based on ACMG/AMP sequence variant interpretation guidelines (Richards et al. 2015 PMID: 25741868, with internal and published modifications).

NM_024769.5(CLMP):c.408G>A (p.Lys136=)

Genes: CLMP (CXADR like cell adhesion molecule; minus strand), LOC112042785 (Sharpr-MPRA regulatory region 9139; plus strand). Cytogenetic location: 11q24.1.
Variant type: single nucleotide variant.
Coding change: c.408G>A on transcript NM_024769.5 (MANE Select); coding-DNA position 408, G replaced by A.
Protein change: p.Lys136=; no amino-acid change (lysine 136 retained).
Molecular consequence: synonymous variant.
Genome position (GRCh38, 1-based): chr11:123,083,828, C>T on the plus strand (G>A on the coding strand, the complement: CLMP is on the minus strand). VCF-style: chr11-123083828-C-T. GRCh37 (hg19) VCF-style: chr11-122954536-C-T.
Identifiers: ClinVar variation 717942 (VCV000717942.5), dbSNP rs202047829, ClinGen allele CA6333103.